The following is an entry in ClinVar:

NM_001098.3(ACO2):c.935G>A (p.Arg312Gln)

Gene: ACO2 (aconitase 2; plus strand). Cytogenetic location: 22q13.2.
Variant type: single nucleotide variant.
Coding change: c.935G>A on transcript NM_001098.3 (MANE Select); coding-DNA position 935, G replaced by A.
Protein change: p.Arg312Gln; replaces arginine 312 with glutamine.
Molecular consequence: missense variant.
Genome position (GRCh38, 1-based): chr22:41,517,626, G>A. VCF-style: chr22-41517626-G-A. GRCh37 (hg19) VCF-style: chr22-41913630-G-A.
Other names: short protein forms R312Q.
Identifiers: ClinVar variation 1478622 (VCV001478622.7), dbSNP rs1191153529, ClinGen allele CA411722198.

ClinVar aggregate classification (germline): Uncertain significance. Review status: criteria provided, multiple submitters, no conflicts (2 of 4 stars). 2 submissions from 2 submitters: Uncertain significance (2). Last evaluated 2022-05-17.

Allele frequency attached by ClinVar (database versions not stated): TOPMed below 0.00001; gnomAD 0.00001.
gnomAD v4.1: 1 of 1,613,692 alleles (0.000062%); highest among the groups gnomAD compares: Non-Finnish European, 0.000085%; no homozygotes.

Submissions (2):

Labcorp Genetics (formerly Invitae), Labcorp
Classification: Uncertain significance. Last evaluated: 2022-05-17. Review status: criteria provided, single submitter. Criteria: Invitae Variant Classification Sherloc (09022015). Collection method: clinical testing. Allele origin: germline.
Comment: This sequence change replaces arginine, which is basic and polar, with glutamine, which is neutral and polar, at codon 312 of the ACO2 protein (p.Arg312Gln). In summary, the available evidence is currently insufficient to determine the role of this variant in disease. Therefore, it has been classified as a Variant of Uncertain Significance. Advanced modeling of protein sequence and biophysical properties (such as structural, functional, and spatial information, amino acid conservation, physicochemical variation, residue mobility, and thermodynamic stability) performed at Invitae indicates that this missense variant is expected to disrupt ACO2 protein function. This missense change has been observed in individual(s) with optic atrophy (PMID: 34056600). This variant is not present in population databases (gnomAD no frequency).

Blueprint Genetics
Classification: Uncertain significance. Last evaluated: 2019-12-05. Review status: criteria provided, single submitter. Criteria: ACMG Guidelines, 2015. Collection method: clinical testing. Allele origin: germline.

Literature cited by the submitters: PubMed 34056600 (cited by Labcorp Genetics (formerly Invitae), Labcorp).